The following is an entry in ClinVar:

ClinVar aggregate classification (germline): Pathogenic (1 of 4 stars; one submission).

Conditions:
Inborn genetic diseases. Identifiers: MedGen C0950123, MeSH D030342.

Submission:

Ambry Genetics
Classification: Pathogenic for Inborn genetic diseases. Last evaluated: 2021-04-27. Review status: criteria provided, single submitter. Criteria: Ambry Variant Classification Scheme 2023. Collection method: clinical testing. Allele origin: germline.
Comment: The c.4388G>A (p.W1463*) alteration, located in exon 19 (coding exon 16) of the KDM6B gene, consists of a G to A substitution at nucleotide position 4388. This changes the amino acid from a tryptophan (W) to a stop codon at amino acid position 1463. This alteration is expected to result in loss of function by premature protein truncation or nonsense-mediated mRNA decay. Based on data from the Genome Aggregation Database (gnomAD), the KDM6B c.4388G>A alteration was not observed, with coverage at this position. Based on the available evidence, this alteration is classified as pathogenic.

NM_001348716.2(KDM6B):c.4388G>A (p.Trp1463Ter)

Genes: KDM6B (lysine demethylase 6B; plus strand), LOC121587574 (Sharpr-MPRA regulatory region 3930; plus strand). Cytogenetic location: 17p13.1.
Variant type: single nucleotide variant.
Coding change: c.4388G>A on transcript NM_001348716.2 (MANE Select); coding-DNA position 4388, G replaced by A.
Protein change: p.Trp1463Ter; replaces tryptophan 1463 with a stop codon.
Molecular consequence: nonsense.
Genome position (GRCh38, 1-based): chr17:7,852,256, G>A. VCF-style: chr17-7852256-G-A. GRCh37 (hg19) VCF-style: chr17-7755574-G-A.
Other names: c.4388G>A, p.Trp1463Ter (NM_001080424.2); short protein forms W1463*.
Identifiers: ClinVar variation 2230372 (VCV002230372.2), dbSNP rs2544534286, ClinGen allele CA397927655.
Genomic context (GRCh38, chr17:7,852,256, plus strand): 5'-ATCTCTATGCATCCAATATTCCTGTGTACCGCTTCGTGCAGCGACCCGGAGACCTCGTGT[G>A]GATTAATGCGGGGACTGTGCACTGGGTGCAGGCCACCGGCTGGTGCAACAACATTGCCTG-3'